The following is an entry in ClinVar:

ClinVar aggregate classification (germline): Conflicting classifications of pathogenicity. Review status: criteria provided, conflicting classifications (1 of 4 stars). 2 submissions from 2 submitters: Uncertain significance (1); Likely benign (1). Last evaluated 2025-07-28.

Conditions:
KBG syndrome (KBGS). Also called: ANKRD11-Related KBG Syndrome. Identifiers: Orphanet 2332, MedGen C0220687, MONDO:0007846, OMIM 148050.
Inborn genetic diseases. Identifiers: MedGen C0950123, MeSH D030342.

gnomAD v4.1: 17 of 1,589,882 alleles (0.0011%); highest among the groups gnomAD compares: South Asian, 0.0033%; no homozygotes.

Submissions (2):

Ambry Genetics
Classification: Likely benign for Inborn genetic diseases. Last evaluated: 2025-07-28. Review status: criteria provided, single submitter. Criteria: Ambry Variant Classification Scheme 2023. Collection method: clinical testing. Allele origin: germline.

Labcorp Genetics (formerly Invitae), Labcorp
Classification: Uncertain significance for KBG syndrome. Last evaluated: 2025-02-20. Review status: criteria provided, single submitter. Criteria: Invitae Variant Classification Sherloc (09022015). Collection method: clinical testing. Allele origin: germline.
Comment: This sequence change replaces proline, which is neutral and non-polar, with leucine, which is neutral and non-polar, at codon 2076 of the ANKRD11 protein (p.Pro2076Leu). This variant is present in population databases (rs768819121, gnomAD 0.007%). This variant has not been reported in the literature in individuals affected with ANKRD11-related conditions. Invitae Evidence Modeling of protein sequence and biophysical properties (such as structural, functional, and spatial information, amino acid conservation, physicochemical variation, residue mobility, and thermodynamic stability) indicates that this missense variant is not expected to disrupt ANKRD11 protein function with a negative predictive value of 95%. In summary, the available evidence is currently insufficient to determine the role of this variant in disease. Therefore, it has been classified as a Variant of Uncertain Significance.

NM_013275.6(ANKRD11):c.6227C>T (p.Pro2076Leu)

Gene: ANKRD11 (ankyrin repeat domain 11; minus strand). Cytogenetic location: 16q24.3.
Variant type: single nucleotide variant.
Coding change: c.6227C>T on transcript NM_013275.6 (MANE Select); coding-DNA position 6227, C replaced by T.
Protein change: p.Pro2076Leu; replaces proline 2076 with leucine.
Molecular consequence: missense variant.
Genome position (GRCh38, 1-based): chr16:89,280,315, G>A on the plus strand (C>T on the coding strand, the complement: ANKRD11 is on the minus strand). VCF-style: chr16-89280315-G-A. GRCh37 (hg19) VCF-style: chr16-89346723-G-A.
Other names: c.6227C>T, p.Pro2076Leu (NM_001256182.2, NM_001256183.2); short protein forms P2076L.
Identifiers: ClinVar variation 4100559 (VCV004100559.2).